The following is an entry in ClinVar:

ClinVar aggregate classification (germline): Pathogenic (1 of 4 stars; one submission).

Conditions:
Hereditary breast ovarian cancer syndrome. Also called: Hereditary breast and/or ovarian cancer syndrome; Hereditary breast and ovarian cancer syndrome (HBOC); Breast and ovarian cancer; Hereditary breast and ovarian cancer syndrome; Hereditary breast and ovarian cancer; BRCA1- and BRCA2-Associated Hereditary Breast and Ovarian Cancer. Identifiers: Orphanet 145, MedGen C0677776, MeSH D061325, MONDO:0003582. Disease mechanism: loss of function.

Submission:

Labcorp Genetics (formerly Invitae), Labcorp
Classification: Pathogenic for Hereditary breast ovarian cancer syndrome. Last evaluated: 2023-12-11. Review status: criteria provided, single submitter. Criteria: Invitae Variant Classification Sherloc (09022015). Collection method: clinical testing. Allele origin: germline.
Comment: This sequence change creates a premature translational stop signal (p.Ser2091Valfs*28) in the BRCA2 gene. It is expected to result in an absent or disrupted protein product. Loss-of-function variants in BRCA2 are known to be pathogenic (PMID: 20104584). This variant is not present in population databases (gnomAD no frequency). This variant has not been reported in the literature in individuals affected with BRCA2-related conditions. For these reasons, this variant has been classified as Pathogenic.

Literature cited by the submitters: PubMed 20104584.

NM_000059.4(BRCA2):c.6271del (p.Ser2091fs)

Gene: BRCA2 (BRCA2 DNA repair associated; plus strand). Cytogenetic location: 13q13.1.
Variant type: Deletion.
Coding change: c.6271del on transcript NM_000059.4 (MANE Select); coding-DNA position 6271, one base deleted (A; older notation c.6271delA).
Protein change: p.Ser2091fs; shifts the reading frame from serine 2091.
Molecular consequence: frameshift variant. On other transcripts: non-coding transcript variant (1), intron variant (2).
Genome position (GRCh38, 1-based): chr13:32,340,626, A deleted. VCF-style (leftmost placement, unchanged base first): chr13-32340625-TA-T. GRCh37 (hg19) VCF-style: chr13-32914762-TA-T.
Other names: c.6271del, p.Ser2091fs (NM_001406719.1, NM_001406720.1); c.1910-3932del (NM_001406721.1); c.425-3932del (NM_001406722.1); short protein forms S2091fs.
Identifiers: ClinVar variation 2702169 (VCV002702169.3), dbSNP rs2548532931, ClinGen allele CA2697551805.
Genomic context (GRCh38, chr13:32,340,625, plus strand): 5'-AAGTTCCTTACACAAAGTTAAGGGAGTGTTAGAGGAATTTGATTTAATCAGAACTGAGCA[TA>T]GTCTTCACTATTCACCTACGTCTAGACAAAATGTATCAAAAATACTTCCTCGTGTTGATA-3'